The following is an entry in ClinVar:

NM_006206.6(PDGFRA):c.1637T>C (p.Val546Ala)

Gene: PDGFRA (platelet derived growth factor receptor alpha; plus strand). Cytogenetic location: 4q12.
Variant type: single nucleotide variant.
Coding change: c.1637T>C on transcript NM_006206.6 (MANE Select); coding-DNA position 1637, T replaced by C.
Protein change: p.Val546Ala; replaces valine 546 with alanine.
Molecular consequence: missense variant.
Genome position (GRCh38, 1-based): chr4:54,274,609, T>C. VCF-style: chr4-54274609-T-C. GRCh37 (hg19) VCF-style: chr4-55140776-T-C.
Other names: c.1637T>C, p.Val546Ala (NM_001347827.2, NM_001347829.2); c.1712T>C, p.Val571Ala (NM_001347828.2); c.1676T>C, p.Val559Ala (NM_001347830.2); short protein forms V546A, V559A, V571A.
Identifiers: ClinVar variation 3225265 (VCV003225265.1), dbSNP rs2110296911, ClinGen allele CA356892970.

ClinVar aggregate classification (germline): Uncertain significance (1 of 4 stars; one submission).

Conditions:
Hereditary cancer-predisposing syndrome. Also called: Neoplastic Syndromes, Hereditary; Tumor predisposition; Hereditary neoplastic syndrome; Hereditary Cancer Syndrome. Identifiers: Orphanet 140162, MedGen C0027672, MeSH D009386, MONDO:0015356.

Submission:

Ambry Genetics
Classification: Uncertain significance for Hereditary cancer-predisposing syndrome. Last evaluated: 2023-11-06. Review status: criteria provided, single submitter. Criteria: Ambry Variant Classification Scheme 2023. Collection method: clinical testing. Allele origin: germline.
Comment: The p.V546A variant (also known as c.1637T>C), located in coding exon 10 of the PDGFRA gene, results from a T to C substitution at nucleotide position 1637. The valine at codon 546 is replaced by alanine, an amino acid with similar properties. This amino acid position is conserved. In addition, the in silico prediction for this alteration is inconclusive. Since supporting evidence is limited at this time, the clinical significance of this alteration remains unclear.